The following is an entry in ClinVar:

ClinVar aggregate classification (germline): Uncertain significance (1 of 4 stars; one submission).

Conditions:
Fanconi anemia complementation group O. Also called: RAD51C-Related Fanconi Anemia. Identifiers: Orphanet 84, MedGen C3150653, MONDO:0013248, OMIM 613390.

Submission:

Labcorp Genetics (formerly Invitae), Labcorp
Classification: Uncertain significance for Fanconi anemia complementation group O. Last evaluated: 2020-02-15. Review status: criteria provided, single submitter. Criteria: Invitae Variant Classification Sherloc (09022015). Collection method: clinical testing. Allele origin: germline.
Comment: Experimental studies and prediction algorithms are not available or were not evaluated, and the functional significance of this variant is currently unknown. This variant has not been reported in the literature in individuals with RAD51C-related conditions. This variant is not present in population databases (ExAC no frequency). This variant, c.1051_1053dup, results in the insertion of 1 amino acid(s) to the RAD51C protein (p.Val351dup), but otherwise preserves the integrity of the reading frame. In summary, the available evidence is currently insufficient to determine the role of this variant in disease. Therefore, it has been classified as a Variant of Uncertain Significance.

NM_058216.3(RAD51C):c.1048GTT[3] (p.Val351dup)

Gene: RAD51C (RAD51 paralog C; plus strand). Cytogenetic location: 17q22.
Variant type: Microsatellite.
Coding change: c.1048GTT[3] on transcript NM_058216.3 (MANE Select); three copies in a row of the 3-base unit GTT starting at c.1048; the reference has two copies in a row; one copy, 3 bases duplicated.
Protein change: p.Val351dup; duplicates valine 351.
Molecular consequence: inframe insertion. On other transcripts: non-coding transcript variant (1).
Genome position (GRCh38, 1-based): chr17:58,734,142-58,734,144, GTT duplicated; duplicating any 3 consecutive bases within chr17:58,734,138-58,734,144 gives the same sequence; the position shown is the placement nearest the transcript's 3' end. VCF-style (leftmost placement, unchanged base first): chr17-58734137-C-CTGT. GRCh37 (hg19) VCF-style: chr17-56811498-C-CTGT.
Identifiers: ClinVar variation 1006831 (VCV001006831.9), dbSNP rs2049560991, ClinGen allele CA2267833843.
Genomic context (GRCh38, chr17:58,734,137, plus strand): 5'-GTTCTTAAAGCATATTTGTATATATATTTTTTATCTTTCAGCCTCAGGGATTTAGAGATA[C>CTGT]TGTTGTTACTTCTGCATGTTCATTGCAAACAGAAGGTTCCTTGAGCACCCGGAAACGGTC-3'